The following is an entry in ClinVar:

NM_001145196.1(SPATA31A6):c.3780T>G (p.Tyr1260Ter)

Gene: SPATA31A6 (SPATA31 subfamily A member 6; plus strand). Cytogenetic location: 9p11.2.
Variant type: single nucleotide variant.
Coding change: c.3780T>G on transcript NM_001145196.1 (MANE Select); coding-DNA position 3780, T replaced by G.
Protein change: p.Tyr1260Ter; replaces tyrosine 1260 with a stop codon.
Molecular consequence: nonsense.
Genome position (GRCh38, 1-based): chr9:42,189,482, T>G. VCF-style: chr9-42189482-T-G. GRCh37 (hg19) VCF-style: chr9-43624907-A-C.
Other names: short protein forms Y1260*.
Identifiers: ClinVar variation 2659213 (VCV002659213.24), dbSNP rs200894448, ClinGen allele CA5067249.
Genomic context (GRCh38, chr9:42,189,482, plus strand): 5'-TGGGTTTCCCTGCAACCACAGGCACCTCTTCTACTCAGAACATGGCAGAATACTGAGCTA[T>G]GCAGCCAGCAGTCAACAAGCCACTCTCAAGAGCCAGGGTTGTCCCAACAGAGACAGGCAA-3'

ClinVar aggregate classification (germline): Likely benign (1 of 4 stars; one submission).

Allele frequency attached by ClinVar (database versions not stated): 1000 Genomes Project 30x 0.00109; 1000 Genomes Project 0.00140; gnomAD 0.00312.

Submission:

CeGaT Center for Human Genetics Tuebingen
Classification: Likely benign. Last evaluated: 2023-01-01. Review status: criteria provided, single submitter. Criteria: CeGaT Center For Human Genetics Tuebingen Variant Classification Criteria Version 2. Collection method: clinical testing. Allele origin: germline. Affected: yes. Observed: 1 variant allele.
Comment: SPATA31A6: BS2